The following is an entry in ClinVar:

NM_002691.4(POLD1):c.3120+3G>A

Gene: POLD1 (DNA polymerase delta 1, catalytic subunit; plus strand). Cytogenetic location: 19q13.33.
Variant type: single nucleotide variant.
Coding change: c.3120+3G>A on transcript NM_002691.4 (MANE Select); 3 bases into the intron after coding-DNA position 3120, G replaced by A.
Molecular consequence: intron variant.
Genome position (GRCh38, 1-based): chr19:50,417,100, G>A. VCF-style: chr19-50417100-G-A. GRCh37 (hg19) VCF-style: chr19-50920357-G-A.
Other names: c.3120+3G>A (NM_001256849.1, NM_001438212.1, NM_001438213.1); c.3048+3G>A (NM_001438210.1, NM_001438211.1); c.3198+3G>A (NM_001308632.1).
Identifiers: ClinVar variation 4841594 (VCV004841594.1).

ClinVar aggregate classification (germline): Uncertain significance (1 of 4 stars; one submission).

Conditions:
Hereditary cancer-predisposing syndrome. Also called: Neoplastic Syndromes, Hereditary; Tumor predisposition; Hereditary Cancer Syndrome; Hereditary neoplastic syndrome. Identifiers: Orphanet 140162, MedGen C0027672, MeSH D009386, MONDO:0015356.

gnomAD v4.1: 1 of 1,561,582 alleles (0.000064%); highest among the groups gnomAD compares: South Asian, 0.0012%; no homozygotes.

Submission:

Ambry Genetics
Classification: Uncertain significance for Hereditary cancer-predisposing syndrome. Last evaluated: 2025-12-29. Review status: criteria provided, single submitter. Criteria: Ambry Variant Classification Scheme 2023. Collection method: clinical testing. Allele origin: germline.
Comment: The c.3120+3G>A intronic variant results from a G to A substitution 3 nucleotides after coding exon 24 in the POLD1 gene. This nucleotide position is not well conserved in available vertebrate species. In silico splice site analysis predicts that this alteration will not have any significant effect on splicing. Based on the available evidence, the clinical significance of this variant remains unclear.